The following is an entry in ClinVar:

NM_001377.3(DYNC2H1):c.5875-36T>C

Gene: DYNC2H1 (dynein cytoplasmic 2 heavy chain 1; plus strand). Cytogenetic location: 11q22.3.
Variant type: single nucleotide variant.
Coding change: c.5875-36T>C on transcript NM_001377.3 (MANE Select); 36 bases into the intron before coding-DNA position 5875, T replaced by C.
Molecular consequence: intron variant.
Genome position (GRCh38, 1-based): chr11:103,177,520, T>C. VCF-style: chr11-103177520-T-C. GRCh37 (hg19) VCF-style: chr11-103048249-T-C.
Other names: c.5875-36T>C (NM_001080463.2).
Identifiers: ClinVar variation 675074 (VCV000675074.2), dbSNP rs61899764, ClinGen allele CA6253851.

ClinVar aggregate classification (germline): Benign. Review status: criteria provided, multiple submitters, no conflicts (2 of 4 stars). 2 submissions from 2 submitters: Benign (2). Last evaluated 2018-06-14.

Allele frequency attached by ClinVar (database versions not stated): TOPMed 0.07548; 1000 Genomes Project 0.07648; 1000 Genomes Project 30x 0.07761; gnomAD 0.08742 and 0.08861; ESP Exome Variant Server 0.08870; gnomAD exomes 0.10809; ExAC 0.11607.
gnomAD v4.1: 177,815 of 1,563,014 alleles (11%); highest among the groups gnomAD compares: Non-Finnish European, 12%; 10,808 homozygotes.

Submissions (2):

GeneDx
Classification: Benign. Last evaluated: 2018-06-14. Review status: criteria provided, single submitter. Criteria: GeneDx Variant Classification (06012015). Collection method: clinical testing. Allele origin: germline. Affected: yes.
Comment: This variant is considered likely benign or benign based on one or more of the following criteria: it is a conservative change, it occurs at a poorly conserved position in the protein, it is predicted to be benign by multiple in silico algorithms, and/or has population frequency not consistent with disease.

Breakthrough Genomics
Classification: Benign. Review status: criteria provided, single submitter. Criteria: ACMG Guidelines, 2015. Collection method: not provided. Allele origin: germline. Inheritance: Autosomal recessive inheritance. Affected: yes.